The following is an entry in ClinVar:

ClinVar aggregate classification (germline): Uncertain significance (1 of 4 stars; one submission).

Conditions:
Epidermodysplasia verruciformis. Identifiers: Orphanet 302, MedGen C0014522, MONDO:0009176.

Submission:

Labcorp Genetics (formerly Invitae), Labcorp
Classification: Uncertain significance for Epidermodysplasia verruciformis. Last evaluated: 2021-06-12. Review status: criteria provided, single submitter. Criteria: Invitae Variant Classification Sherloc (09022015). Collection method: clinical testing. Allele origin: germline.
Comment: In summary, the available evidence is currently insufficient to determine the role of this variant in disease. Therefore, it has been classified as a Variant of Uncertain Significance. Algorithms developed to predict the effect of missense changes on protein structure and function are either unavailable or do not agree on the potential impact of this missense change (SIFT: "Not Available"; PolyPhen-2: "Probably Damaging"; Align-GVGD: "Not Available"). This variant has not been reported in the literature in individuals with TMC6-related conditions. This variant is not present in population databases (ExAC no frequency). This sequence change replaces aspartic acid with histidine at codon 563 of the TMC6 protein (p.Asp563His). The aspartic acid residue is moderately conserved and there is a moderate physicochemical difference between aspartic acid and histidine.

NM_001127198.5(TMC6):c.1687G>C (p.Asp563His)

Gene: TMC6 (transmembrane channel like 6; minus strand). Cytogenetic location: 17q25.3.
Variant type: single nucleotide variant.
Coding change: c.1687G>C on transcript NM_001127198.5 (MANE Select); coding-DNA position 1687, G replaced by C.
Protein change: p.Asp563His; replaces aspartic acid 563 with histidine.
Molecular consequence: missense variant. On other transcripts: non-coding transcript variant (4), intron variant (2).
Genome position (GRCh38, 1-based): chr17:78,120,681, C>G on the plus strand (G>C on the coding strand, the complement: TMC6 is on the minus strand). VCF-style: chr17-78120681-C-G. GRCh37 (hg19) VCF-style: chr17-76116762-C-G.
Other names: c.1687G>C, p.Asp563His (NM_001321185.1, NM_001374596.1, NM_001375353.1 and 2 more transcripts); c.1535+332G>C (NM_001374594.1, NM_001374593.1); short protein forms D563H.
Identifiers: ClinVar variation 1423718 (VCV001423718.8), dbSNP rs760833588, ClinGen allele CA401226719.